The following is an entry in ClinVar:

ClinVar aggregate classification (germline): Uncertain significance (1 of 4 stars; one submission).

Conditions:
Inborn genetic diseases. Identifiers: MedGen C0950123, MeSH D030342.

Submission:

Ambry Genetics
Classification: Uncertain significance for Inborn genetic diseases. Last evaluated: 2025-10-20. Review status: criteria provided, single submitter. Criteria: Ambry Variant Classification Scheme 2023. Collection method: clinical testing. Allele origin: germline.
Comment: The c.331_339delAAGGGCAAGinsTCA (p.K111_K113delinsS) alteration, located in exon 2 (coding exon 2) of the NFIX gene, results from an in-frame deletion of 9 nucleotides and insertion of 3 nucleotides at positions 331 to 339. This results in the substitution of three residues at codons 111 to 113 with a serine (S) residue. This variant was not reported in population-based cohorts in the Genome Aggregation Database (gnomAD). The amino acid positions are highly conserved in available vertebrate species. This alteration is predicted to be deleterious by in silico analysis (Choi, 2012). Based on insufficient or conflicting evidence, the clinical significance of this alteration remains unclear.

NM_001365902.3(NFIX):c.331_339delinsTCA (p.Lys111_Lys113delinsSer)

Gene: NFIX (nuclear factor I X; plus strand). Cytogenetic location: 19p13.13.
Variant type: Indel.
Coding change: c.331_339delinsTCA on transcript NM_001365902.3 (MANE Select); coding-DNA positions 331 to 339, AAGGGCAAG replaced by TCA.
Protein change: p.Lys111_Lys113delinsSer.
Molecular consequence: inframe indel.
Genome position (GRCh38, 1-based): chr19:13,025,324-13,025,332, AAGGGCAAG replaced by TCA. VCF-style: chr19-13025324-AAGGGCAAG-TCA. GRCh37 (hg19) VCF-style: chr19-13136138-AAGGGCAAG-TCA.
Other names: c.355_363delinsTCA, p.Lys119_Lys121delinsSer (NM_001271043.2); c.307_315delinsTCA, p.Lys103_Lys105delinsSer (NM_001271044.3, NM_001378404.1, NM_001440616.1 and 1 more transcripts); c.331_339delinsTCA, p.Lys111_Lys113delinsSer (NM_001365982.2, NM_002501.4); c.190_198delinsTCA, p.Lys64_Lys66delinsSer (NM_001365983.2); c.328_336delinsTCA, p.Lys110_Lys112delinsSer (NM_001365984.2, NM_001365985.2); c.379_387delinsTCA, p.Lys127_Lys129delinsSer (NM_001378405.1).
Identifiers: ClinVar variation 4626098 (VCV004626098.1).